The following is an entry in ClinVar:

ClinVar aggregate classification (germline): Benign/Likely benign. Review status: criteria provided, multiple submitters, no conflicts (2 of 4 stars). 16 submissions from 16 submitters: Benign (12); Likely benign (1). 3 of the submissions do not count toward it. Last evaluated 2026-07-01.

Conditions:
Primary ciliary dyskinesia. Also called: Ciliary dyskinesia. Identifiers: Orphanet 244, MedGen C0008780, MONDO:0016575, HP:0012265.
Primary ciliary dyskinesia 3. Identifiers: Orphanet 244, MedGen C1837618, MONDO:0012085, OMIM 608644.

Allele frequency attached by ClinVar (database versions not stated): gnomAD 0.00414 and 0.00519; ESP Exome Variant Server 0.00415; TOPMed 0.00465; gnomAD exomes 0.00720 and 0.00972; 1000 Genomes Project 0.00799; 1000 Genomes Project 30x 0.00828; ExAC 0.01021.
gnomAD v4.1: 11,418 of 1,612,604 alleles (0.71%); highest among the groups gnomAD compares: Middle Eastern, 4.1%; 132 homozygotes.

Submissions (16):

CeGaT Center for Human Genetics Tuebingen
Classification: Benign. Last evaluated: 2026-07-01. Review status: criteria provided, single submitter. Criteria: CeGaT Center For Human Genetics Tuebingen Variant Classification Criteria Version 2. Collection method: clinical testing. Allele origin: germline. Affected: yes. Observed: 19 variant alleles.
Comment: DNAH5: BP4, BS1, BS2

Labcorp Genetics (formerly Invitae), Labcorp
Classification: Benign for Primary ciliary dyskinesia. Last evaluated: 2026-02-02. Review status: criteria provided, single submitter. Criteria: Invitae Variant Classification Sherloc (09022015). Collection method: clinical testing. Allele origin: germline.

Mayo Clinic Laboratories, Mayo Clinic
Classification: Benign. Last evaluated: 2025-05-26. Review status: criteria provided, single submitter. Criteria: ACMG Guidelines, 2015. Collection method: clinical testing. Allele origin: germline. Observed: 1 variant allele.
Comment: BS1, BS2, BP4_moderate

ARUP Laboratories, Molecular Genetics and Genomics, ARUP Laboratories
Classification: Benign for Primary ciliary dyskinesia 3. Last evaluated: 2025-05-20. Review status: criteria provided, single submitter. Criteria: ARUP Molecular Germline Variant Investigation Process 2024. Collection method: clinical testing. Allele origin: germline.

Blueprint Genetics
Classification: Likely benign. Last evaluated: 2024-11-25. Review status: criteria provided, single submitter. Criteria: ACMG Guidelines, 2015. Collection method: clinical testing. Allele origin: germline.

Genome-Nilou Lab
Classification: Benign for Primary ciliary dyskinesia 3. Last evaluated: 2021-05-18. Review status: criteria provided, single submitter. Criteria: ACMG Guidelines, 2015. Collection method: clinical testing. Allele origin: germline. Affected: no.

GeneDx
Classification: Benign. Last evaluated: 2020-02-27. Review status: criteria provided, single submitter. Criteria: GeneDx Variant Classification Process June 2021. Collection method: clinical testing. Allele origin: germline. Affected: yes.
Comment: This variant is associated with the following publications: (PMID: 31213628)

Illumina Laboratory Services, Illumina
Classification: Benign for Primary ciliary dyskinesia 3. Last evaluated: 2018-01-12. Review status: criteria provided, single submitter. Criteria: ICSL Variant Classification Criteria 13 December 2019. Collection method: clinical testing. Allele origin: germline.
Comment: This variant was observed in the ICSL laboratory as part of a predisposition screen in an ostensibly healthy population. It had not been previously curated by ICSL or reported in the Human Gene Mutation Database (HGMD: prior to June 1st, 2018), and was therefore a candidate for classification through an automated scoring system. Utilizing variant allele frequency, disease prevalence and penetrance estimates, and inheritance mode, an automated score was calculated to assess if this variant is too frequent to cause the disease. Based on the score and internal cut-off values, a variant classified as benign is not then subjected to further curation. The score for this variant resulted in a classification of benign for this disease.

Laboratory for Molecular Medicine, Mass General Brigham Personalized Medicine
Classification: Benign. Last evaluated: 2016-02-03. Review status: criteria provided, single submitter. Criteria: LMM Criteria. Collection method: clinical testing. Allele origin: germline. Observed: 4 variant alleles.
Comment: p.Asn751Lys in exon 15 of DNAH5: This variant is not expected to have clinical s ignificance because it has been identified in 3.8% (635/16496) of South Asian ch romosomes, including 18 homozygotes, by the Exome Aggregation Consortium (ExAC; dbSNP rs115004914).

Ambry Genetics
Classification: Benign for Primary ciliary dyskinesia. Last evaluated: 2015-06-09. Review status: criteria provided, single submitter. Criteria: Ambry Variant Classification Scheme 2023. Collection method: clinical testing. Allele origin: germline.

Eurofins Ntd Llc (ga)
Classification: Benign. Last evaluated: 2014-12-23. Review status: criteria provided, single submitter. Criteria: EGL Classification Definitions 2015. Collection method: clinical testing. Allele origin: germline. Observed: 1 variant allele, 1 heterozygote.

Breakthrough Genomics
Classification: Benign. Review status: criteria provided, single submitter. Criteria: ACMG Guidelines, 2015. Collection method: not provided. Allele origin: germline. Inheritance: Autosomal recessive inheritance. Affected: yes.

PreventionGenetics, part of Exact Sciences
Classification: Benign. Review status: criteria provided, single submitter. Criteria: ACMG Guidelines, 2015. Collection method: clinical testing. Allele origin: germline.

Natera, Inc.
Classification: Benign for Primary ciliary dyskinesia. Last evaluated: 2020-09-16. Review status: no assertion criteria provided. Collection method: clinical testing. Allele origin: germline. Not counted in ClinVar's aggregate classification.

Clinical Genetics DNA and cytogenetics Diagnostics Lab, Erasmus MC, Erasmus Medical Center
Classification: Likely benign. Review status: no assertion criteria provided. Collection method: clinical testing. Allele origin: germline. Affected: yes. Study: VKGL Data-share Consensus. Not counted in ClinVar's aggregate classification.

Laboratory of Diagnostic Genome Analysis, Leiden University Medical Center (LUMC)
Classification: Likely benign. Review status: no assertion criteria provided. Collection method: clinical testing. Allele origin: germline. Affected: yes. Study: VKGL Data-share Consensus. Not counted in ClinVar's aggregate classification.

Literature cited by the submitters: PubMed 31213628 (cited by Mayo Clinic Laboratories, Mayo Clinic); PubMed 34768622 (cited by Mayo Clinic Laboratories, Mayo Clinic).

NM_001369.3(DNAH5):c.2253C>A (p.Asn751Lys)

Genes: DNAH5 (dynein axonemal heavy chain 5; minus strand), DNAH5-AS1 (DNAH5 antisense RNA 1; plus strand). Cytogenetic location: 5p15.2.
Variant type: single nucleotide variant.
Coding change: c.2253C>A on transcript NM_001369.3 (MANE Select); coding-DNA position 2253, C replaced by A.
Protein change: p.Asn751Lys; replaces asparagine 751 with lysine.
Molecular consequence: missense variant.
Genome position (GRCh38, 1-based): chr5:13,900,212, G>T on the plus strand (C>A on the coding strand, the complement: DNAH5 is on the minus strand). VCF-style: chr5-13900212-G-T. GRCh37 (hg19) VCF-style: chr5-13900321-G-T.
Other names: short protein forms N751K.
Identifiers: ClinVar variation 178754 (VCV000178754.58), dbSNP rs115004914, ClinGen allele CA182943.
Genomic context (GRCh38, chr5:13,900,212, plus strand): 5'-ATAATACATTCCAGAGCTAGCCAAGAATGGGGGGAAAAAATAAAAGTAGTATACCTTCAT[G>T]TTACTGAAGTTCCTTTTGTATCTATCTCGTTTCTGGAAGAGGGAAGTTGCCAGTGGAGAG-3'
Protein context (NP_001360.1, residues 741-761): KRDRYKRNFS[Asn751Lys]MKMMLAEYQR